The following is an entry in ClinVar:

ClinVar aggregate classification (germline): association (1 of 4 stars; one submission).

Conditions:
Lip and oral cavity carcinoma. Identifiers: MedGen C0220641, MONDO:0023644.

Allele frequency attached by ClinVar (database versions not stated): gnomAD 0.24904 and 0.25236; TOPMed 0.25806; 1000 Genomes Project 30x 0.26312; 1000 Genomes Project 0.26318.
gnomAD v4.1: 37,704 of 152,120 alleles (25%); highest among the groups gnomAD compares: African/African-American, 41%; 5,573 homozygotes.

Submission:

Department of Biological Science, Sunandan Divatia School of Science, NMIMS University
Classification: association for Lip and oral cavity carcinoma. Last evaluated: 2016-01-01. Review status: criteria provided, single submitter. Criteria: Submitter's publication. Collection method: case-control. Allele origin: germline. Inheritance: Oligogenic inheritance. Affected: yes. Observed: 500 variant alleles, 190 heterozygotes, 310 homozygotes. Clinical features observed: Neoplasm of the oral cavity.
Comment: The homozygous WT (CC) genotype showed a higher frequency in cases as compared to controls and a significant association was observed with an OR of 1.41 (1.09-1.82). The heterozygous genotype indicated decreased risk to oral cancer with an OR 0.75 (0.58-0.97)

NM_175607.3(CNTN4):c.55+61947C>T

Gene: CNTN4 (contactin 4; plus strand). Cytogenetic location: 3p26.3.
Variant type: single nucleotide variant.
Coding change: c.55+61947C>T on transcript NM_175607.3 (MANE Select); 61947 bases into the intron after coding-DNA position 55, C replaced by T.
Molecular consequence: intron variant.
Genome position (GRCh38, 1-based): chr3:2,633,505, C>T. VCF-style: chr3-2633505-C-T. GRCh37 (hg19) VCF-style: chr3-2675189-C-T.
Other names: c.55+61947C>T (NM_001350095.2, NM_001206955.2).
Identifiers: ClinVar variation 430714 (VCV000430714.3), dbSNP rs9849237, ClinGen allele CA15293496.